The following is an entry in ClinVar:

ClinVar aggregate classification (germline): Uncertain significance (1 of 4 stars; one submission).

Allele frequency attached by ClinVar (database versions not stated): gnomAD 0.00001; TOPMed 0.00001.

Submission:

CeGaT Center for Human Genetics Tuebingen
Classification: Uncertain significance. Last evaluated: 2023-03-01. Review status: criteria provided, single submitter. Criteria: CeGaT Center For Human Genetics Tuebingen Variant Classification Criteria Version 2. Collection method: clinical testing. Allele origin: germline. Affected: yes. Observed: 1 variant allele.
Comment: NMNAT1: PM2, PP3, PP4

NM_022787.4(NMNAT1):c.-57+2T>C

Genes: NMNAT1 (nicotinamide nucleotide adenylyltransferase 1; plus strand), LOC126805613 (BRD4-independent group 4 enhancer GRCh37_chr1:10002582-10003781; plus strand). Cytogenetic location: 1p36.22.
Variant type: single nucleotide variant.
Coding change: c.-57+2T>C on transcript NM_022787.4 (MANE Select); the canonical splice donor site of the intron after 57 bases upstream of the start codon, T replaced by C.
Molecular consequence: splice donor variant. On other transcripts: intron variant (1).
Genome position (GRCh38, 1-based): chr1:9,943,517, T>C. VCF-style: chr1-9943517-T-C. GRCh37 (hg19) VCF-style: chr1-10003575-T-C.
Other names: c.-57+492T>C (NM_001297778.1); c.-57+2T>C (NM_001297779.2).
Identifiers: ClinVar variation 2498392 (VCV002498392.28), dbSNP rs1354323616, ClinGen allele CA521368432.
Genomic context (GRCh38, chr1:9,943,517, plus strand): 5'-GGCGTCCGGGCCGCTGGTGATCTCCGGTAGCACTCGGGCCGGCGGACAGTGAGGGCGCGG[T>C]AAGCTCCCCGCAAGGAGCCCCTGAGAAACTGGTCGCTTTTTGTCCTAGATATAGGGGAGT-3'